The following is an entry in ClinVar:

ClinVar aggregate classification (germline): Conflicting classifications of pathogenicity. Review status: criteria provided, conflicting classifications (1 of 4 stars). 3 submissions from 3 submitters: Uncertain significance (2); Likely benign (1). Last evaluated 2025-11-08.

Conditions:
Inborn genetic diseases. Identifiers: MedGen C0950123, MeSH D030342.

Submissions (3):

Ambry Genetics
Classification: Uncertain significance for Inborn genetic diseases. Last evaluated: 2025-11-08. Review status: criteria provided, single submitter. Criteria: Ambry Variant Classification Scheme 2023. Collection method: clinical testing. Allele origin: germline.

Labcorp Genetics (formerly Invitae), Labcorp
Classification: Uncertain significance. Last evaluated: 2025-01-12. Review status: criteria provided, single submitter. Criteria: Invitae Variant Classification Sherloc (09022015). Collection method: clinical testing. Allele origin: germline.
Comment: This sequence change replaces valine, which is neutral and non-polar, with isoleucine, which is neutral and non-polar, at codon 575 of the COL9A1 protein (p.Val575Ile). This variant is present in population databases (no rsID available, gnomAD no frequency). This variant has not been reported in the literature in individuals affected with COL9A1-related conditions. Invitae Evidence Modeling of protein sequence and biophysical properties (such as structural, functional, and spatial information, amino acid conservation, physicochemical variation, residue mobility, and thermodynamic stability) indicates that this missense variant is not expected to disrupt COL9A1 protein function with a negative predictive value of 95%. In summary, the available evidence is currently insufficient to determine the role of this variant in disease. Therefore, it has been classified as a Variant of Uncertain Significance.

Blueprint Genetics
Classification: Likely benign. Last evaluated: 2022-11-13. Review status: criteria provided, single submitter. Criteria: ACMG Guidelines, 2015. Collection method: clinical testing. Allele origin: germline.

NM_001851.6(COL9A1):c.1723G>A (p.Val575Ile)

Gene: COL9A1 (collagen type IX alpha 1 chain; minus strand). Cytogenetic location: 6q13.
Variant type: single nucleotide variant.
Coding change: c.1723G>A on transcript NM_001851.6 (MANE Select); coding-DNA position 1723, G replaced by A.
Protein change: p.Val575Ile; replaces valine 575 with isoleucine.
Molecular consequence: missense variant. On other transcripts: non-coding transcript variant (1).
Genome position (GRCh38, 1-based): chr6:70,253,426, C>T on the plus strand (G>A on the coding strand, the complement: COL9A1 is on the minus strand). VCF-style: chr6-70253426-C-T. GRCh37 (hg19) VCF-style: chr6-70963129-C-T.
Other names: c.1024G>A, p.Val342Ile (NM_001377289.1); c.994G>A, p.Val332Ile (NM_001377290.1, NM_078485.4); c.1723G>A (NM_001851.4); short protein forms V332I, V342I, V575I.
Identifiers: ClinVar variation 3615114 (VCV003615114.4).